The following is an entry in ClinVar:

ClinVar aggregate classification (germline): Conflicting classifications of pathogenicity. Review status: criteria provided, conflicting classifications (1 of 4 stars). 3 submissions from 3 submitters: Uncertain significance (1); Likely benign (2). Last evaluated 2026-07-01.

Conditions:
Inborn genetic diseases. Identifiers: MedGen C0950123, MeSH D030342.

Allele frequency attached by ClinVar (database versions not stated): 1000 Genomes Project 30x 0.00031; 1000 Genomes Project 0.00040; ESP Exome Variant Server 0.00050; TOPMed 0.00058; gnomAD 0.00066 and 0.00069; gnomAD exomes 0.00068 and 0.00125; ExAC 0.00072.
gnomAD v4.1: 1,895 of 1,613,934 alleles (0.12%); highest among the groups gnomAD compares: Non-Finnish European, 0.15%; 1 homozygote.

Submissions (3):

CeGaT Center for Human Genetics Tuebingen
Classification: Likely benign. Last evaluated: 2026-07-01. Review status: criteria provided, single submitter. Criteria: CeGaT Center For Human Genetics Tuebingen Variant Classification Criteria Version 2. Collection method: clinical testing. Allele origin: germline. Affected: yes. Observed: 1 variant allele.
Comment: POLR1A: BP4

Labcorp Genetics (formerly Invitae), Labcorp
Classification: Likely benign. Last evaluated: 2026-01-24. Review status: criteria provided, single submitter. Criteria: Invitae Variant Classification Sherloc (09022015). Collection method: clinical testing. Allele origin: germline.

Ambry Genetics
Classification: Uncertain significance for Inborn genetic diseases. Last evaluated: 2021-07-21. Review status: criteria provided, single submitter. Criteria: Ambry Variant Classification Scheme 2023. Collection method: clinical testing. Allele origin: germline.

NM_015425.6(POLR1A):c.2039C>T (p.Pro680Leu)

Gene: POLR1A (RNA polymerase I subunit A; minus strand). Cytogenetic location: 2p11.2.
Variant type: single nucleotide variant.
Coding change: c.2039C>T on transcript NM_015425.6 (MANE Select); coding-DNA position 2039, C replaced by T.
Protein change: p.Pro680Leu; replaces proline 680 with leucine.
Molecular consequence: missense variant.
Genome position (GRCh38, 1-based): chr2:86,065,293, G>A on the plus strand (C>T on the coding strand, the complement: POLR1A is on the minus strand). VCF-style: chr2-86065293-G-A. GRCh37 (hg19) VCF-style: chr2-86292416-G-A.
Other names: c.2039C>T (NM_015425.3); short protein forms P680L.
Identifiers: ClinVar variation 1347436 (VCV001347436.8), dbSNP rs188057926, ClinGen allele CA1746186.
Genomic context (GRCh38, chr2:86,065,293, plus strand): 5'-TTTCCTTTTGTTACATACACTGGCTGTTCTCTCCCAATTACCTGTTTTCCTGTCCACAGC[G>A]GAAAGGGCTTCAGGATGGAAGGAGAAAGGAGCTTCACGCGCCCCACTTTGTCCGTGAGTC-3'
Protein context (NP_056240.2, residues 670-690): LLSPSILKPF[Pro680Leu]LWTGKQVVST